The following is an entry in ClinVar:

NM_006231.4(POLE):c.528G>C (p.Lys176Asn)

Gene: POLE (DNA polymerase epsilon, catalytic subunit; minus strand). Cytogenetic location: 12q24.33.
Variant type: single nucleotide variant.
Coding change: c.528G>C on transcript NM_006231.4 (MANE Select); coding-DNA position 528, G replaced by C.
Protein change: p.Lys176Asn; replaces lysine 176 with asparagine.
Molecular consequence: missense variant.
Genome position (GRCh38, 1-based): chr12:132,679,547, C>G on the plus strand (G>C on the coding strand, the complement: POLE is on the minus strand). VCF-style: chr12-132679547-C-G. GRCh37 (hg19) VCF-style: chr12-133256133-C-G.
Other names: c.528G>C (NM_006231.2); short protein forms K176N.
Identifiers: ClinVar variation 2201515 (VCV002201515.5), dbSNP rs780256616, ClinGen allele CA387366979.

ClinVar aggregate classification (germline): Uncertain significance. Review status: criteria provided, multiple submitters, no conflicts (2 of 4 stars). 2 submissions from 2 submitters: Uncertain significance (2). Last evaluated 2023-11-06.

gnomAD v4.1: 1 of 1,614,088 alleles (0.000062%); highest among the groups gnomAD compares: Non-Finnish European, 0.000085%; no homozygotes.

Submissions (2):

GeneDx
Classification: Uncertain significance. Last evaluated: 2023-11-06. Review status: criteria provided, single submitter. Criteria: GeneDx Variant Classification Process June 2021. Collection method: clinical testing. Allele origin: germline. Affected: yes.
Comment: Not observed at significant frequency in large population cohorts (gnomAD); In silico analysis supports that this missense variant has a deleterious effect on protein structure/function; Has not been previously published as pathogenic or benign to our knowledge

Labcorp Genetics (formerly Invitae), Labcorp
Classification: Uncertain significance. Last evaluated: 2022-09-28. Review status: criteria provided, single submitter. Criteria: Invitae Variant Classification Sherloc (09022015). Collection method: clinical testing. Allele origin: germline.
Comment: In summary, the available evidence is currently insufficient to determine the role of this variant in disease. Therefore, it has been classified as a Variant of Uncertain Significance. Advanced modeling of protein sequence and biophysical properties (such as structural, functional, and spatial information, amino acid conservation, physicochemical variation, residue mobility, and thermodynamic stability) performed at Invitae indicates that this missense variant is expected to disrupt POLE protein function. This variant has not been reported in the literature in individuals affected with POLE-related conditions. This variant is not present in population databases (gnomAD no frequency). This sequence change replaces lysine, which is basic and polar, with asparagine, which is neutral and polar, at codon 176 of the POLE protein (p.Lys176Asn).